The following is an entry in ClinVar:

ClinVar aggregate classification (germline): Benign/Likely benign. Review status: criteria provided, multiple submitters, no conflicts (2 of 4 stars). 5 submissions from 5 submitters: Benign (1); Likely benign (3). 1 of the submissions does not count toward it. Last evaluated 2025-10-26.

Conditions:
Familial thoracic aortic aneurysm and aortic dissection (TAAD). Also called: Thoracic aortic aneurysms and dissections. Identifiers: Orphanet 91387, MedGen C4707243, MONDO:0019625.
Shprintzen-Goldberg syndrome (SGS). Also called: CRANIOSYNOSTOSIS WITH ARACHNODACTYLY AND ABDOMINAL HERNIAS; Marfanoid disorder with craniosynostosis type 1; Marfanoid craniosynostosis syndrome; Shprintzen-Goldberg marfanoid syndrome; SHPRINTZEN-GOLDBERG CRANIOSYNOSTOSIS SYNDROME. Identifiers: Orphanet 2462, MedGen C1321551, MONDO:0008426, OMIM 182212.
SKI-related disorder. Also called: SKI-related condition.

Allele frequency attached by ClinVar (database versions not stated): gnomAD 0.00003; ExAC 0.00005; 1000 Genomes Project 30x 0.00031; 1000 Genomes Project 0.00040; gnomAD exomes 0.00008; TOPMed 0.00008.
gnomAD v4.1: 35 of 1,612,334 alleles (0.0022%); highest among the groups gnomAD compares: East Asian, 0.04%; no homozygotes.

Submissions (5):

Labcorp Genetics (formerly Invitae), Labcorp
Classification: Likely benign for Shprintzen-Goldberg syndrome. Last evaluated: 2025-10-26. Review status: criteria provided, single submitter. Criteria: Invitae Variant Classification Sherloc (09022015). Collection method: clinical testing. Allele origin: germline.

Ambry Genetics
Classification: Likely benign for Familial thoracic aortic aneurysm and aortic dissection. Last evaluated: 2022-02-17. Review status: criteria provided, single submitter. Criteria: Ambry Variant Classification Scheme 2023. Collection method: clinical testing. Allele origin: germline.

ARUP Laboratories, Molecular Genetics and Genomics, ARUP Laboratories
Classification: Benign for Shprintzen-Goldberg syndrome. Last evaluated: 2019-10-13. Review status: criteria provided, single submitter. Criteria: ARUP Molecular Germline Variant Investigation Process. Collection method: clinical testing. Allele origin: germline.

GeneDx
Classification: Likely benign. Last evaluated: 2017-07-26. Review status: criteria provided, single submitter. Criteria: GeneDx Variant Classification (06012015). Collection method: clinical testing. Allele origin: germline. Affected: yes.
Comment: This variant is considered likely benign or benign based on one or more of the following criteria: it is a conservative change, it occurs at a poorly conserved position in the protein, it is predicted to be benign by multiple in silico algorithms, and/or has population frequency not consistent with disease.

PreventionGenetics, part of Exact Sciences
Classification: Likely benign for SKI-related condition. Last evaluated: 2019-10-25. Review status: no assertion criteria provided. Collection method: clinical testing. Allele origin: germline. Not counted in ClinVar's aggregate classification.
Comment: This variant is classified as likely benign based on ACMG/AMP sequence variant interpretation guidelines (Richards et al. 2015 PMID: 25741868, with internal and published modifications).

NM_003036.4(SKI):c.1272G>A (p.Pro424=)

Gene: SKI (SKI proto-oncogene; plus strand). Cytogenetic location: 1p36.32.
Variant type: single nucleotide variant.
Coding change: c.1272G>A on transcript NM_003036.4 (MANE Select); coding-DNA position 1272, G replaced by A.
Protein change: p.Pro424=; no amino-acid change (proline 424 retained).
Molecular consequence: synonymous variant.
Genome position (GRCh38, 1-based): chr1:2,303,900, G>A. VCF-style: chr1-2303900-G-A. GRCh37 (hg19) VCF-style: chr1-2235339-G-A.
Identifiers: ClinVar variation 511096 (VCV000511096.22), dbSNP rs552946737, ClinGen allele CA536656.
Genomic context (GRCh38, chr1:2,303,900, plus strand): 5'-CTTCTACTCCTACAAGAGCTTTGAGACAGCCGTGGCGCCCAACGTGGCCCTCGCACCGCC[G>A]GCCCAGCAGAAGGTTGTGAGCAGCCCTCCGTGTGCCGCCGCCGTCTCCCGGGCCCCCGAG-3'
Protein context (NP_003027.1, residues 414-434): AVAPNVALAP[Pro424=]AQQKVVSSPP